The following is an entry in ClinVar:

NM_000228.3(LAMB3):c.714C>A (p.Tyr238Ter)

Gene: LAMB3 (laminin subunit beta 3; minus strand). Cytogenetic location: 1q32.2.
Variant type: single nucleotide variant.
Coding change: c.714C>A on transcript NM_000228.3 (MANE Select); coding-DNA position 714, C replaced by A.
Protein change: p.Tyr238Ter; replaces tyrosine 238 with a stop codon.
Molecular consequence: nonsense.
Genome position (GRCh38, 1-based): chr1:209,632,691, G>T on the plus strand (C>A on the coding strand, the complement: LAMB3 is on the minus strand). VCF-style: chr1-209632691-G-T. GRCh37 (hg19) VCF-style: chr1-209806036-G-T.
Other names: c.714C>A, p.Tyr238Ter (NM_001017402.2, NM_001127641.1); short protein forms Y238*.
Identifiers: ClinVar variation 984106 (VCV000984106.3), dbSNP rs1666736220, ClinGen allele CA344594640.

ClinVar aggregate classification (germline): Likely pathogenic (1 of 4 stars; one submission).

Conditions:
Junctional epidermolysis bullosa gravis of Herlitz. Also called: Herlitz-type junctional epidermolysis bullosa; Epidermolysis Bullosa Letalis; EPIDERMOLYSIS BULLOSA, JUNCTIONAL 1B, SEVERE; EPIDERMOLYSIS BULLOSA JUNCTIONALIS, HERLITZ TYPE; EPIDERMOLYSIS BULLOSA, JUNCTIONAL, HERLITZ-PEARSON TYPE; JEB-HERLITZ TYPE. Identifiers: Orphanet 79404, MedGen C0079683, MONDO:0009182, OMIM 226700.

Submission:

Myriad Genetics, Inc.
Classification: Likely pathogenic for Junctional epidermolysis bullosa gravis of Herlitz. Last evaluated: 2019-11-27. Review status: criteria provided, single submitter. Criteria: Myriad Women's Health Autosomal Recessive and X-Linked Classification Criteria (2019). Collection method: clinical testing. Allele origin: unknown.
Comment: NM_000228.2(LAMB3):c.714C>A(Y238*) is expected to be pathogenic in the context of Herlitz junctional epidermolysis bullosa, LAMB3-related. This variant is predicted to lead to an abnormal or absent protein product due to the creation of a premature termination codon in LAMB3, a gene where loss-of-function variants are known to be pathogenic. Please note: this variant was assessed in the context of healthy population screening.